The following is an entry in ClinVar:

NM_005687.5(FARSB):c.733A>G (p.Thr245Ala)

Gene: FARSB (phenylalanyl-tRNA synthetase subunit beta; minus strand). Cytogenetic location: 2q36.1.
Variant type: single nucleotide variant.
Coding change: c.733A>G on transcript NM_005687.5 (MANE Select); coding-DNA position 733, A replaced by G.
Protein change: p.Thr245Ala; replaces threonine 245 with alanine.
Molecular consequence: missense variant. On other transcripts: non-coding transcript variant (1).
Genome position (GRCh38, 1-based): chr2:222,631,657, T>C on the plus strand (A>G on the coding strand, the complement: FARSB is on the minus strand). VCF-style: chr2-222631657-T-C. GRCh37 (hg19) VCF-style: chr2-223496376-T-C.
Other names: short protein forms T245A.
Identifiers: ClinVar variation 1912249 (VCV001912249.5), dbSNP rs1574944441, ClinGen allele CA350814458.

ClinVar aggregate classification (germline): Uncertain significance (1 of 4 stars; one submission).

Allele frequency attached by ClinVar (database versions not stated): gnomAD exomes 0.00001.
gnomAD v4.1: 10 of 1,564,882 alleles (0.00064%); highest among the groups gnomAD compares: African/African-American, 0.0095%; 1 homozygote.

Submission:

Labcorp Genetics (formerly Invitae), Labcorp
Classification: Uncertain significance. Last evaluated: 2023-10-03. Review status: criteria provided, single submitter. Criteria: Invitae Variant Classification Sherloc (09022015). Collection method: clinical testing. Allele origin: germline.
Comment: This sequence change replaces threonine, which is neutral and polar, with alanine, which is neutral and non-polar, at codon 245 of the FARSB protein (p.Thr245Ala). This variant is not present in population databases (gnomAD no frequency). This variant has not been reported in the literature in individuals affected with FARSB-related conditions. ClinVar contains an entry for this variant (Variation ID: 1912249). Advanced modeling of protein sequence and biophysical properties (such as structural, functional, and spatial information, amino acid conservation, physicochemical variation, residue mobility, and thermodynamic stability) has been performed at Invitae for this missense variant, however the output from this modeling did not meet the statistical confidence thresholds required to predict the impact of this variant on FARSB protein function. In summary, the available evidence is currently insufficient to determine the role of this variant in disease. Therefore, it has been classified as a Variant of Uncertain Significance.